The following is an entry in ClinVar:

NM_000256.3(MYBPC3):c.471C>T (p.Phe157=)

Gene: MYBPC3 (myosin binding protein C3; minus strand). Cytogenetic location: 11p11.2.
Variant type: single nucleotide variant.
Coding change: c.471C>T on transcript NM_000256.3 (MANE Select); coding-DNA position 471, C replaced by T.
Protein change: p.Phe157=; no amino-acid change (phenylalanine 157 retained).
Molecular consequence: synonymous variant.
Genome position (GRCh38, 1-based): chr11:47,350,048, G>A on the plus strand (C>T on the coding strand, the complement: MYBPC3 is on the minus strand). VCF-style: chr11-47350048-G-A. GRCh37 (hg19) VCF-style: chr11-47371599-G-A.
Other names: p.F157F:TTC>TTT; p.Phe157=.
Identifiers: ClinVar variation 42757 (VCV000042757.79), dbSNP rs150291001, ClinGen allele CA015191.

ClinVar aggregate classification (germline): Benign/Likely benign. Review status: criteria provided, multiple submitters, no conflicts (2 of 4 stars). 16 submissions from 16 submitters: Benign (2); Likely benign (9). 5 of the submissions do not count toward it. Last evaluated 2026-04-01.

Conditions:
Cardiovascular phenotype. Identifiers: MedGen CN230736.
Cardiomyopathy (CMYO). Also called: Cardiomyopathies. Identifiers: Orphanet 167848, MedGen C0878544, MONDO:0004994, HP:0001638. Inheritance: Various modes of inheritance.
Hypertrophic cardiomyopathy. Also called: HYPERTROPHIC MYOCARDIOPATHY. Identifiers: Orphanet 217569, MedGen C0007194, MeSH D002312, MONDO:0005045, HP:0001639.

Allele frequency attached by ClinVar (database versions not stated): gnomAD 0.00035 and 0.00034; gnomAD exomes 0.00037 and 0.00041; 1000 Genomes Project 0.00040; ExAC 0.00040; TOPMed 0.00029; 1000 Genomes Project 30x 0.00031.
gnomAD v4.1: 573 of 1,564,150 alleles (0.037%); highest among the groups gnomAD compares: South Asian, 0.067%; no homozygotes.

Submissions (16):

CeGaT Center for Human Genetics Tuebingen
Classification: Likely benign. Last evaluated: 2026-04-01. Review status: criteria provided, single submitter. Criteria: CeGaT Center For Human Genetics Tuebingen Variant Classification Criteria Version 2. Collection method: clinical testing. Allele origin: germline. Affected: yes. Observed: 7 variant alleles.
Comment: MYBPC3: BP4, BP7

Labcorp Genetics (formerly Invitae), Labcorp
Classification: Likely benign for Hypertrophic cardiomyopathy. Last evaluated: 2026-01-21. Review status: criteria provided, single submitter. Criteria: Invitae Variant Classification Sherloc (09022015). Collection method: clinical testing. Allele origin: germline.

Mayo Clinic Laboratories, Mayo Clinic
Classification: Likely benign. Last evaluated: 2025-09-17. Review status: criteria provided, single submitter. Criteria: ACMG Guidelines, 2015. Collection method: clinical testing. Allele origin: germline. Observed: 1 variant allele.
Comment: BS1, BP4, BP7

Molecular Diagnostic Laboratory for Inherited Cardiovascular Disease, Montreal Heart Institute
Classification: Likely benign. Last evaluated: 2025-04-09. Review status: criteria provided, single submitter. Criteria: ACMG Guidelines, 2015. Collection method: clinical testing. Allele origin: germline. Affected: no.

Blueprint Genetics
Classification: Likely benign. Last evaluated: 2024-11-07. Review status: criteria provided, single submitter. Criteria: ACMG Guidelines, 2015. Collection method: clinical testing. Allele origin: germline.

Ambry Genetics
Classification: Likely benign for Cardiovascular phenotype. Last evaluated: 2023-05-23. Review status: criteria provided, single submitter. Criteria: Ambry Variant Classification Scheme 2023. Collection method: clinical testing. Allele origin: germline.

CHEO Genetics Diagnostic Laboratory, Children's Hospital of Eastern Ontario
Classification: Likely benign for Cardiomyopathy. Last evaluated: 2023-03-06. Review status: criteria provided, single submitter. Criteria: ACMG Guidelines, 2015. Collection method: clinical testing. Allele origin: germline.

Women's Health and Genetics/Laboratory Corporation of America, LabCorp
Classification: Benign. Last evaluated: 2020-08-30. Review status: criteria provided, single submitter. Criteria: LabCorp Variant Classification Summary - May 2015. Collection method: clinical testing. Allele origin: germline.

Color Diagnostics, LLC DBA Color Health
Classification: Likely benign for Cardiomyopathy. Last evaluated: 2018-07-09. Review status: criteria provided, single submitter. Criteria: ACMG Guidelines, 2015. Collection method: clinical testing. Allele origin: germline.

GeneDx
Classification: Benign. Last evaluated: 2012-05-14. Review status: criteria provided, single submitter. Criteria: GeneDx Variant Classification (06012015). Collection method: clinical testing. Allele origin: germline. Affected: yes.
Comment: This variant is considered likely benign or benign based on one or more of the following criteria: it is a conservative change, it occurs at a poorly conserved position in the protein, it is predicted to be benign by multiple in silico algorithms, and/or has population frequency not consistent with disease.

Laboratory for Molecular Medicine, Mass General Brigham Personalized Medicine
Classification: Likely benign. Last evaluated: 2010-08-17. Review status: criteria provided, single submitter. Criteria: LMM Criteria. Collection method: clinical testing. Allele origin: germline. Observed: 1 variant allele.

Clinical Genetics DNA and cytogenetics Diagnostics Lab, Erasmus MC, Erasmus Medical Center
Classification: Likely benign. Review status: no assertion criteria provided. Collection method: clinical testing. Allele origin: germline. Affected: yes. Study: VKGL Data-share Consensus. Not counted in ClinVar's aggregate classification.

Clinical Genetics, Academic Medical Center
Classification: Benign. Review status: no assertion criteria provided. Collection method: clinical testing. Allele origin: germline. Affected: yes. Study: VKGL Data-share Consensus. Not counted in ClinVar's aggregate classification.

Diagnostic Laboratory, Department of Genetics, University Medical Center Groningen
Classification: Likely benign. Review status: no assertion criteria provided. Collection method: clinical testing. Allele origin: germline. Affected: yes. Study: VKGL Data-share Consensus. Not counted in ClinVar's aggregate classification.

Genome Diagnostics Laboratory, University Medical Center Utrecht
Classification: Likely benign. Review status: no assertion criteria provided. Collection method: clinical testing. Allele origin: germline. Affected: yes. Study: VKGL Data-share Consensus. Not counted in ClinVar's aggregate classification.

Joint Genome Diagnostic Labs from Nijmegen and Maastricht, Radboudumc and MUMC+
Classification: Likely benign. Review status: no assertion criteria provided. Collection method: clinical testing. Allele origin: germline. Affected: yes. Study: VKGL Data-share Consensus. Not counted in ClinVar's aggregate classification.

Literature cited by the submitters: PubMed 28679633 (cited by Mayo Clinic Laboratories, Mayo Clinic and Laboratory for Molecular Medicine, Mass General Brigham Personalized Medicine); PubMed 20800588 (cited by Women's Health and Genetics/Laboratory Corporation of America, LabCorp).